The following is an entry in ClinVar:

NM_002087.4(GRN):c.*78C>T

Gene: GRN (granulin precursor; plus strand). Cytogenetic location: 17q21.31.
Variant type: single nucleotide variant.
Coding change: c.*78C>T on transcript NM_002087.4 (MANE Select); 78 bases downstream of the stop codon, C replaced by T.
Molecular consequence: 3 prime UTR variant.
Genome position (GRCh38, 1-based): chr17:44,352,876, C>T. VCF-style: chr17-44352876-C-T. GRCh37 (hg19) VCF-style: chr17-42430244-C-T.
Identifiers: ClinVar variation 29742 (VCV000029742.22), dbSNP rs5848, ClinGen allele CA128609.

ClinVar aggregate classification (germline): Benign. Review status: criteria provided, multiple submitters, no conflicts (2 of 4 stars). 6 submissions from 6 submitters: Benign (4). 2 of the submissions do not count toward it. Last evaluated 2026-01-12.

Conditions:
GRN-related frontotemporal lobar degeneration with Tdp43 inclusions (FTD2). Also called: GRN Frontotemporal Dementia; FRONTOTEMPORAL DEMENTIA WITH TDP43 INCLUSIONS, GRN-RELATED; DEMENTIA, HEREDITARY DYSPHASIC DISINHIBITION; FRONTOTEMPORAL LOBAR DEGENERATION WITH UBIQUITIN-POSITIVE INCLUSIONS; FTLD-TDP, GRN-RELATED. Identifiers: Orphanet 100070, Orphanet 282, MedGen C1843792, MONDO:0011842, OMIM 607485. Disease mechanism: loss of function.
Neuronal ceroid lipofuscinosis 11. Also called: GRN-Related Neuronal Ceroid-Lipofuscinosis. Identifiers: Orphanet 314629, Orphanet 79262, MedGen C3539123, MONDO:0013866, OMIM 614706.
FRONTOTEMPORAL LOBAR DEGENERATION WITH UBIQUITIN-POSITIVE INCLUSIONS, SUSCEPTIBILITY TO.
Ischemic stroke. Also called: Ischemic stroke, susceptibility to; CEREBROVASCULAR ACCIDENT. Identifiers: MedGen C0948008, MONDO:1060198, OMIM 601367, HP:0002140.

Allele frequency attached by ClinVar (database versions not stated): gnomAD exomes 0.29886; TOPMed 0.40618; gnomAD 0.40636 and 0.41298; 1000 Genomes Project 0.42452; 1000 Genomes Project 30x 0.42692.

Submissions (6):

Labcorp Genetics (formerly Invitae), Labcorp
Classification: Benign for Neuronal ceroid lipofuscinosis 11; GRN-related frontotemporal lobar degeneration with Tdp43 inclusions. Last evaluated: 2026-01-12. Review status: criteria provided, single submitter. Criteria: Invitae Variant Classification Sherloc (09022015). Collection method: clinical testing. Allele origin: germline.

GeneDx
Classification: Benign. Last evaluated: 2018-06-19. Review status: criteria provided, single submitter. Criteria: GeneDx Variant Classification Process June 2021. Collection method: clinical testing. Allele origin: germline. Affected: yes.
Comment: This variant is associated with the following publications: (PMID: 25239657, 24770881, 22505994, 21212639, 29653316, 28286146, 24499389, 18723524, 20197700, 21047645, 24680777, 19016491)

Illumina Laboratory Services, Illumina
Classification: Benign for GRN-related frontotemporal lobar degeneration with Tdp43 inclusions. Last evaluated: 2018-03-06. Review status: criteria provided, single submitter. Criteria: ICSL Variant Classification Criteria 13 December 2019. Collection method: clinical testing. Allele origin: germline.
Comment: This variant was observed in the ICSL laboratory as part of a predisposition screen in an ostensibly healthy population. It had not been previously curated by ICSL or reported in the Human Gene Mutation Database (HGMD: prior to June 1st, 2018), and was therefore a candidate for classification through an automated scoring system. Utilizing variant allele frequency, disease prevalence and penetrance estimates, and inheritance mode, an automated score was calculated to assess if this variant is too frequent to cause the disease. Based on the score and internal cut-off values, a variant classified as benign is not then subjected to further curation. The score for this variant resulted in a classification of benign for this disease.

Breakthrough Genomics
Classification: Benign. Review status: criteria provided, single submitter. Criteria: ACMG Guidelines, 2015. Collection method: not provided. Allele origin: germline. Inheritance: Autosomal recessive inheritance. Affected: yes.

OMIM
Classification: risk factor for FRONTOTEMPORAL LOBAR DEGENERATION WITH UBIQUITIN-POSITIVE INCLUSIONS, SUSCEPTIBILITY TO. Last evaluated: 2008-12-01. Review status: no assertion criteria provided. Collection method: literature only. Allele origin: germline. Not counted in ClinVar's aggregate classification.

Laboratory of Clinical and Experimental Pathology, Xuzhou Medical University
Classification: Affects for Ischemic stroke. Review status: no assertion criteria provided. Collection method: case-control. Allele origin: somatic. Affected: yes. Not counted in ClinVar's aggregate classification.

Literature cited by the submitters: PubMed 18723524 (cited by OMIM).